The following is an entry in ClinVar:

ClinVar aggregate classification (germline): Uncertain significance (1 of 4 stars; one submission).

Submission:

Labcorp Genetics (formerly Invitae), Labcorp
Classification: Uncertain significance. Last evaluated: 2024-01-04. Review status: criteria provided, single submitter. Criteria: Invitae Variant Classification Sherloc (09022015). Collection method: clinical testing. Allele origin: germline.
Comment: This sequence change replaces leucine, which is neutral and non-polar, with arginine, which is basic and polar, at codon 705 of the IL12RB2 protein (p.Leu705Arg). This variant is not present in population databases (gnomAD no frequency). This variant has not been reported in the literature in individuals affected with IL12RB2-related conditions. An algorithm developed to predict the effect of missense changes on protein structure and function (PolyPhen-2) suggests that this variant is likely to be disruptive. In summary, the available evidence is currently insufficient to determine the role of this variant in disease. Therefore, it has been classified as a Variant of Uncertain Significance.

NM_001374259.2(IL12RB2):c.2114T>G (p.Leu705Arg)

Gene: IL12RB2 (interleukin 12 receptor subunit beta 2; plus strand). Cytogenetic location: 1p31.3.
Variant type: single nucleotide variant.
Coding change: c.2114T>G on transcript NM_001374259.2 (MANE Select); coding-DNA position 2114, T replaced by G.
Protein change: p.Leu705Arg; replaces leucine 705 with arginine.
Molecular consequence: missense variant. On other transcripts: 3 prime UTR variant (3), non-coding transcript variant (2).
Genome position (GRCh38, 1-based): chr1:67,395,614, T>G. VCF-style: chr1-67395614-T-G. GRCh37 (hg19) VCF-style: chr1-67861297-T-G.
Other names: c.*34T>G (NM_001258214.1, NM_001319233.1); c.1856T>G, p.Leu619Arg (NM_001258215.1); c.*15T>G (NM_001258216.1); c.2114T>G, p.Leu705Arg (NM_001559.3); short protein forms L619R, L705R.
Identifiers: ClinVar variation 2707393 (VCV002707393.3), dbSNP rs2523552019, ClinGen allele CA340734895.
Genomic context (GRCh38, chr1:67,395,614, plus strand): 5'-CACAGCTGCCCTTGGACAGGCTCCTGATAGACTGGCCCACGCCTGAAGATCCTGAACCGC[T>G]GGTCATCAGTGAAGTCCTTCATCAAGTGACCCCAGTTTTCAGACATCCCCCCTGCTCCAA-3'
Protein context (NP_001361188.1, residues 695-715): DWPTPEDPEP[Leu705Arg]VISEVLHQVT